The following is an entry in ClinVar:

NM_020921.4(NIN):c.1768G>A (p.Glu590Lys)

Gene: NIN (ninein; minus strand). Cytogenetic location: 14q22.1.
Variant type: single nucleotide variant.
Coding change: c.1768G>A on transcript NM_020921.4 (MANE Select); coding-DNA position 1768, G replaced by A.
Protein change: p.Glu590Lys; replaces glutamic acid 590 with lysine.
Molecular consequence: missense variant.
Genome position (GRCh38, 1-based): chr14:50,763,832, C>T on the plus strand (G>A on the coding strand, the complement: NIN is on the minus strand). VCF-style: chr14-50763832-C-T. GRCh37 (hg19) VCF-style: chr14-51230550-C-T.
Other names: c.1768G>A (NM_020921.3); c.1768G>A, p.Glu590Lys (NM_016350.5, NM_182944.3, NM_182946.2); short protein forms E590K.
Identifiers: ClinVar variation 2851482 (VCV002851482.4), dbSNP rs141061548, ClinGen allele CA7182101.

ClinVar aggregate classification (germline): Uncertain significance. Review status: criteria provided, multiple submitters, no conflicts (2 of 4 stars). 2 submissions from 2 submitters: Uncertain significance (2). Last evaluated 2025-01-13.

Allele frequency attached by ClinVar (database versions not stated): TOPMed 0.00005; gnomAD 0.00006; ExAC 0.00007; ESP Exome Variant Server 0.00008; gnomAD exomes 0.00010; 1000 Genomes Project 30x 0.00016; 1000 Genomes Project 0.00020.
gnomAD v4.1: 148 of 1,613,506 alleles (0.0092%); highest among the groups gnomAD compares: Admixed American, 0.018%; no homozygotes.

Submissions (2):

Labcorp Genetics (formerly Invitae), Labcorp
Classification: Uncertain significance. Last evaluated: 2025-01-13. Review status: criteria provided, single submitter. Criteria: Invitae Variant Classification Sherloc (09022015). Collection method: clinical testing. Allele origin: germline.
Comment: This sequence change replaces glutamic acid, which is acidic and polar, with lysine, which is basic and polar, at codon 590 of the NIN protein (p.Glu590Lys). This variant is present in population databases (rs141061548, gnomAD 0.02%). This variant has not been reported in the literature in individuals affected with NIN-related conditions. ClinVar contains an entry for this variant (Variation ID: 2851482). An algorithm developed to predict the effect of missense changes on protein structure and function (PolyPhen-2) suggests that this variant is likely to be tolerated. In summary, the available evidence is currently insufficient to determine the role of this variant in disease. Therefore, it has been classified as a Variant of Uncertain Significance.

Ambry Genetics
Classification: Uncertain significance. Last evaluated: 2024-07-02. Review status: criteria provided, single submitter. Criteria: Ambry Variant Classification Scheme 2023. Collection method: clinical testing. Allele origin: germline.